The following is an entry in ClinVar:

ClinVar aggregate classification (germline): Uncertain significance (1 of 4 stars; one submission).

Conditions:
Inborn genetic diseases. Identifiers: MedGen C0950123, MeSH D030342.

Submission:

Ambry Genetics
Classification: Uncertain significance for Inborn genetic diseases. Last evaluated: 2024-10-24. Review status: criteria provided, single submitter. Criteria: Ambry Variant Classification Scheme 2023. Collection method: clinical testing. Allele origin: germline.
Comment: The p.P621H variant (also known as c.1862C>A), located in coding exon 15 of the BUB1B gene, results from a C to A substitution at nucleotide position 1862. The proline at codon 621 is replaced by histidine, an amino acid with similar properties. This amino acid position is conserved. In addition, the in silico prediction for this alteration is inconclusive. Based on the available evidence, the clinical significance of this variant remains unclear.

NM_001211.6(BUB1B):c.1862C>A (p.Pro621His)

Gene: BUB1B (BUB1 mitotic checkpoint serine/threonine kinase B; plus strand). Cytogenetic location: 15q15.1.
Variant type: single nucleotide variant.
Coding change: c.1862C>A on transcript NM_001211.6 (MANE Select); coding-DNA position 1862, C replaced by A.
Protein change: p.Pro621His; replaces proline 621 with histidine.
Molecular consequence: missense variant.
Genome position (GRCh38, 1-based): chr15:40,206,311, C>A. VCF-style: chr15-40206311-C-A. GRCh37 (hg19) VCF-style: chr15-40498512-C-A.
Other names: short protein forms P621H.
Identifiers: ClinVar variation 3483222 (VCV003483222.1).